The following is an entry in ClinVar:

ClinVar aggregate classification (germline): Uncertain significance (1 of 4 stars; one submission).

Conditions:
Familial cold autoinflammatory syndrome 2 (FCAS2). Identifiers: Orphanet 247868, MedGen C2673198, MONDO:0012724, OMIM 611762.

Allele frequency attached by ClinVar (database versions not stated): gnomAD exomes below 0.00001.

Submission:

Labcorp Genetics (formerly Invitae), Labcorp
Classification: Uncertain significance for Familial cold autoinflammatory syndrome 2. Last evaluated: 2025-04-28. Review status: criteria provided, single submitter. Criteria: Invitae Variant Classification Sherloc (09022015). Collection method: clinical testing. Allele origin: germline.
Comment: This sequence change replaces leucine, which is neutral and non-polar, with phenylalanine, which is neutral and non-polar, at codon 247 of the NLRP12 protein (p.Leu247Phe). This variant is not present in population databases (gnomAD no frequency). This variant has not been reported in the literature in individuals affected with NLRP12-related conditions. ClinVar contains an entry for this variant (Variation ID: 2971376). Invitae Evidence Modeling of protein sequence and biophysical properties (such as structural, functional, and spatial information, amino acid conservation, physicochemical variation, residue mobility, and thermodynamic stability) has been performed for this missense variant. However, the output from this modeling did not meet the statistical confidence thresholds required to predict the impact of this variant on NLRP12 protein function. In summary, the available evidence is currently insufficient to determine the role of this variant in disease. Therefore, it has been classified as a Variant of Uncertain Significance.

NM_144687.4(NLRP12):c.739C>T (p.Leu247Phe)

Gene: NLRP12 (NLR family pyrin domain containing 12; minus strand). Cytogenetic location: 19q13.42.
Variant type: single nucleotide variant.
Coding change: c.739C>T on transcript NM_144687.4 (MANE Select); coding-DNA position 739, C replaced by T.
Protein change: p.Leu247Phe; replaces leucine 247 with phenylalanine.
Molecular consequence: missense variant.
Genome position (GRCh38, 1-based): chr19:53,810,920, G>A on the plus strand (C>T on the coding strand, the complement: NLRP12 is on the minus strand). VCF-style: chr19-53810920-G-A. GRCh37 (hg19) VCF-style: chr19-54314174-G-A.
Other names: c.739C>T, p.Leu247Phe (NM_001277126.2, NM_001277129.1); short protein forms L247F.
Identifiers: ClinVar variation 2971376 (VCV002971376.3), dbSNP rs949625426, ClinGen allele CA310071088.